The following is an entry in ClinVar:

NM_001375978.1(CHRM3):c.1018_1020del (p.Asn340del)

Gene: CHRM3 (cholinergic receptor muscarinic 3; plus strand). Cytogenetic location: 1q43.
Variant type: Deletion.
Coding change: c.1018_1020del on transcript NM_001375978.1 (MANE Select); coding-DNA positions 1018 to 1020, 3 bases deleted (AAT; older notation c.1018_1020delAAT).
Protein change: p.Asn340del; deletes asparagine 340.
Molecular consequence: inframe deletion.
Genome position (GRCh38, 1-based): chr1:239,908,469-239,908,471, AAT deleted. VCF-style (leftmost placement, unchanged base first): chr1-239908468-CAAT-C. GRCh37 (hg19) VCF-style: chr1-240071768-CAAT-C.
Other names: c.1018_1020del, p.Asn340del (NM_000740.4, NM_001347716.2, NM_001375979.1 and 6 more transcripts); c.1018_1020del (NM_000740.3); short protein forms N340del.
Identifiers: ClinVar variation 2060440 (VCV002060440.2), dbSNP rs1269426350, ClinGen allele CA529975895.

ClinVar aggregate classification (germline): Uncertain significance. Review status: criteria provided, multiple submitters, no conflicts (2 of 4 stars). 2 submissions from 2 submitters: Uncertain significance (2). Last evaluated 2024-05-20.

Conditions:
Prune belly syndrome. Also called: Prune belly. Identifiers: Orphanet 2970, MedGen C0033770, MONDO:0007032, OMIM 100100, HP:0004392.

Allele frequency attached by ClinVar (database versions not stated): gnomAD 0.00001; gnomAD exomes 0.00001; TOPMed 0.00003.

Submissions (2):

Fulgent Genetics
Classification: Uncertain significance for Prune belly syndrome. Last evaluated: 2024-05-20. Review status: criteria provided, single submitter. Criteria: ACMG Guidelines, 2015. Collection method: clinical testing. Allele origin: germline.

Labcorp Genetics (formerly Invitae), Labcorp
Classification: Uncertain significance. Last evaluated: 2022-05-06. Review status: criteria provided, single submitter. Criteria: Invitae Variant Classification Sherloc (09022015). Collection method: clinical testing. Allele origin: germline.
Comment: This variant, c.1018_1020del, results in the deletion of 1 amino acid(s) of the CHRM3 protein (p.Asn340del), but otherwise preserves the integrity of the reading frame. This variant is present in population databases (no rsID available, gnomAD 0.01%). This variant has not been reported in the literature in individuals affected with CHRM3-related conditions. Experimental studies and prediction algorithms are not available or were not evaluated, and the functional significance of this variant is currently unknown. In summary, the available evidence is currently insufficient to determine the role of this variant in disease. Therefore, it has been classified as a Variant of Uncertain Significance.